The following is an entry in ClinVar:

ClinVar aggregate classification (germline): Uncertain significance (1 of 4 stars; one submission).

Submission:

GeneDx
Classification: Uncertain significance. Last evaluated: 2023-07-23. Review status: criteria provided, single submitter. Criteria: GeneDx Variant Classification Process June 2021. Collection method: clinical testing. Allele origin: germline. Affected: yes.
Comment: Not observed at significant frequency in large population cohorts (gnomAD); In silico analysis supports that this missense variant has a deleterious effect on protein structure/function; Has not been previously published as pathogenic or benign to our knowledge

NM_021224.6(ZNF462):c.5322C>A (p.Phe1774Leu)

Gene: ZNF462 (zinc finger protein 462; plus strand). Cytogenetic location: 9q31.2.
Variant type: single nucleotide variant.
Coding change: c.5322C>A on transcript NM_021224.6 (MANE Select); coding-DNA position 5322, C replaced by A.
Protein change: p.Phe1774Leu; replaces phenylalanine 1774 with leucine.
Molecular consequence: missense variant. On other transcripts: intron variant (1).
Genome position (GRCh38, 1-based): chr9:106,929,234, C>A. VCF-style: chr9-106929234-C-A. GRCh37 (hg19) VCF-style: chr9-109691515-C-A.
Other names: c.3253-1291C>A (NM_001347997.2); short protein forms F1774L.
Identifiers: ClinVar variation 3361094 (VCV003361094.1).